The following is an entry in ClinVar:

NM_000937.5(POLR2A):c.2887C>T (p.Arg963Trp)

Gene: POLR2A (RNA polymerase II subunit A; plus strand). Cytogenetic location: 17p13.1.
Variant type: single nucleotide variant.
Coding change: c.2887C>T on transcript NM_000937.5 (MANE Select); coding-DNA position 2887, C replaced by T.
Protein change: p.Arg963Trp; replaces arginine 963 with tryptophan.
Molecular consequence: missense variant.
Genome position (GRCh38, 1-based): chr17:7,503,251, C>T. VCF-style: chr17-7503251-C-T. GRCh37 (hg19) VCF-style: chr17-7406570-C-T.
Other names: short protein forms R963W.
Identifiers: ClinVar variation 1701676 (VCV001701676.1), dbSNP rs2150883974, ClinGen allele CA397799438.
Genomic context (GRCh38, chr17:7,503,251, plus strand): 5'-CTGAGCAACGCACACATCCAGAACGAGTTGGAGCGGGAATTTGAGCGGATGCGGGAGGAT[C>T]GGGAGGTGCTCAGGGTCATCTTCCCAACTGGAGACAGCAAGGTGCGTGTGGGTCGAAGTG-3'
Protein context (NP_000928.1, residues 953-973): EREFERMRED[Arg963Trp]EVLRVIFPTG

ClinVar aggregate classification (germline): Uncertain significance (1 of 4 stars; one submission).

Conditions:
Neurodevelopmental disorder with hypotonia and variable intellectual and behavioral abnormalities. Identifiers: MedGen C5231423, MONDO:0032829, OMIM 618603.

Submission:

New York Genome Center
Classification: Uncertain significance for Neurodevelopmental disorder with hypotonia and variable intellectual and behavioral abnormalities. Last evaluated: 2021-10-08. Review status: criteria provided, single submitter. Criteria: NYGC Assertion Criteria 2020. Collection method: clinical testing. Allele origin: de novo. Observed: 1 variant allele, 1 mosaic individual. Study: CSER-NYCKidSeq.
Comment: The de novo mosaic c.2887C>T (p.Arg963Trp) variant identified in the POLR2A gene substitutes a well conserved Arginine for Tryptophan at amino acid 963/1971 (exon 17/30). This variant was detected in 3/27 total reads, with a variant allele frequency of 11.1%, suggesting it is mosaic in blood sample. This variant is absent from gnomAD(v3.1.1) suggesting it is not a common benign variant in the populations represented in that database. This variant is absent from ClinVar but has been reported as a de novo variant in a single individual in the literature without detailed clinical information but with features including microcornea, retinal dystrophy, hearing loss, and anterior glottic web [Patient EG25_1; PMID:32799327]. The p.Arg963 residue is not within a mapped domain of POLR2A, and is in a region of the protein where missense variants have not been previously reported in affected individuals [PMID:31353023, 33665635]. While it is identified as a de novo mosaic variant in the affected individual, and absent in population databases, the lack of additional compelling evidence for its pathogenicity results in the classification of the de novo mosaic c.2887C>T (p.Arg963Trp) variant identified in the POLR2A gene as a Variant of Uncertain Significance.